The following is an entry in ClinVar:

ClinVar aggregate classification (germline): Uncertain significance (1 of 4 stars; one submission).

Conditions:
Developmental and epileptic encephalopathy, 27 (DEE27). Also called: GRIN2B-Related Neurodevelopmental Disorder; Epileptic encephalopathy, early infantile, 27. Identifiers: Orphanet 3451, MedGen C4015316, MONDO:0014505, OMIM 616139.
Intellectual developmental disorder, autosomal dominant 6, with or without seizures. Also called: GRIN2B-related developmental delay, intellectual disability and autism spectrum disorder; Intellectual disability, autosomal dominant 6. Identifiers: Orphanet 589547, MedGen C3151411, MONDO:0013509, OMIM 613970.

Submission:

Labcorp Genetics (formerly Invitae), Labcorp
Classification: Uncertain significance for Developmental and epileptic encephalopathy, 27; Intellectual developmental disorder, autosomal dominant 6, with or without seizures. Last evaluated: 2021-12-28. Review status: criteria provided, single submitter. Criteria: Invitae Variant Classification Sherloc (09022015). Collection method: clinical testing. Allele origin: germline.
Comment: In summary, the available evidence is currently insufficient to determine the role of this variant in disease. Therefore, it has been classified as a Variant of Uncertain Significance. Advanced modeling of protein sequence and biophysical properties (such as structural, functional, and spatial information, amino acid conservation, physicochemical variation, residue mobility, and thermodynamic stability) performed at Invitae indicates that this missense variant is not expected to disrupt GRIN2B protein function. This variant has not been reported in the literature in individuals affected with GRIN2B-related conditions. This variant is not present in population databases (gnomAD no frequency). This sequence change replaces asparagine, which is neutral and polar, with aspartic acid, which is acidic and polar, at codon 1365 of the GRIN2B protein (p.Asn1365Asp).

NM_000834.5(GRIN2B):c.4093A>G (p.Asn1365Asp)

Gene: GRIN2B (glutamate ionotropic receptor NMDA type subunit 2B; minus strand). Cytogenetic location: 12p13.1.
Variant type: single nucleotide variant.
Coding change: c.4093A>G on transcript NM_000834.5 (MANE Select); coding-DNA position 4093, A replaced by G.
Protein change: p.Asn1365Asp; replaces asparagine 1365 with aspartic acid.
Molecular consequence: missense variant.
Genome position (GRCh38, 1-based): chr12:13,563,145, T>C on the plus strand (A>G on the coding strand, the complement: GRIN2B is on the minus strand). VCF-style: chr12-13563145-T-C. GRCh37 (hg19) VCF-style: chr12-13716079-T-C.
Other names: c.4093A>G, p.Asn1365Asp (NM_001413992.1); short protein forms N1365D.
Identifiers: ClinVar variation 2038391 (VCV002038391.4), dbSNP rs1330186615, ClinGen allele CA383986623.